The following is an entry in ClinVar:

NM_022051.3(EGLN1):c.271C>T (p.Arg91Trp)

Gene: EGLN1 (egl-9 family hypoxia inducible factor 1; minus strand). Cytogenetic location: 1q42.2.
Variant type: single nucleotide variant.
Coding change: c.271C>T on transcript NM_022051.3 (MANE Select); coding-DNA position 271, C replaced by T.
Protein change: p.Arg91Trp; replaces arginine 91 with tryptophan.
Molecular consequence: missense variant.
Genome position (GRCh38, 1-based): chr1:231,421,618, G>A on the plus strand (C>T on the coding strand, the complement: EGLN1 is on the minus strand). VCF-style: chr1-231421618-G-A. GRCh37 (hg19) VCF-style: chr1-231557364-G-A.
Other names: c.271C>T, p.Arg91Trp (NM_001377260.1, NM_001377261.1); c.271C>T (NM_022051.2); short protein forms R91W.
Identifiers: ClinVar variation 2072482 (VCV002072482.5), dbSNP rs2527360946, ClinGen allele CA345238131.

ClinVar aggregate classification (germline): Uncertain significance. Review status: criteria provided, multiple submitters, no conflicts (2 of 4 stars). 2 submissions from 2 submitters: Uncertain significance (2). Last evaluated 2024-10-28.

Conditions:
Erythrocytosis, familial, 3 (ECYT3). Identifiers: Orphanet 247511, MedGen C1853286, MONDO:0012353, OMIM 609820.

Submissions (2):

Ambry Genetics
Classification: Uncertain significance. Last evaluated: 2024-10-28. Review status: criteria provided, single submitter. Criteria: Ambry Variant Classification Scheme 2023. Collection method: clinical testing. Allele origin: germline.
Comment: The p.R91W variant (also known as c.271C>T), located in coding exon 1 of the EGLN1 gene, results from a C to T substitution at nucleotide position 271. The arginine at codon 91 is replaced by tryptophan, an amino acid with dissimilar properties. This amino acid position is conserved. In addition, this alteration is predicted to be tolerated by in silico analysis. Based on the available evidence, the clinical significance of this variant remains unclear.

Labcorp Genetics (formerly Invitae), Labcorp
Classification: Uncertain significance for Erythrocytosis, familial, 3. Last evaluated: 2022-07-09. Review status: criteria provided, single submitter. Criteria: Invitae Variant Classification Sherloc (09022015). Collection method: clinical testing. Allele origin: germline.
Comment: In summary, the available evidence is currently insufficient to determine the role of this variant in disease. Therefore, it has been classified as a Variant of Uncertain Significance. Algorithms developed to predict the effect of missense changes on protein structure and function are either unavailable or do not agree on the potential impact of this missense change (SIFT: "Deleterious"; PolyPhen-2: "Possibly Damaging"; Align-GVGD: "Class C0"). This variant has not been reported in the literature in individuals affected with EGLN1-related conditions. This variant is not present in population databases (gnomAD no frequency). This sequence change replaces arginine, which is basic and polar, with tryptophan, which is neutral and slightly polar, at codon 91 of the EGLN1 protein (p.Arg91Trp).